The following is an entry in ClinVar:

ClinVar aggregate classification (germline): Uncertain significance (1 of 4 stars; one submission).

Allele frequency attached by ClinVar (database versions not stated): ExAC 0.00001; gnomAD 0.00001; TOPMed 0.00001; gnomAD exomes 0.00003.
gnomAD v4.1: 54 of 1,612,852 alleles (0.0033%); highest among the groups gnomAD compares: Non-Finnish European, 0.0042%; no homozygotes.

Submission:

Labcorp Genetics (formerly Invitae), Labcorp
Classification: Uncertain significance. Last evaluated: 2021-03-26. Review status: criteria provided, single submitter. Criteria: Invitae Variant Classification Sherloc (09022015). Collection method: clinical testing. Allele origin: germline.
Comment: This variant is present in population databases (rs774712114, ExAC 0.002%). In summary, the available evidence is currently insufficient to determine the role of this variant in disease. Therefore, it has been classified as a Variant of Uncertain Significance. Algorithms developed to predict the effect of missense changes on protein structure and function are either unavailable or do not agree on the potential impact of this missense change (SIFT: "Tolerated"; PolyPhen-2: "Probably Damaging"; Align-GVGD: "Class C0"). This variant has not been reported in the literature in individuals with TAPT1-related conditions. This sequence change replaces lysine with glutamine at codon 232 of the TAPT1 protein (p.Lys232Gln). The lysine residue is moderately conserved and there is a small physicochemical difference between lysine and glutamine.

NM_153365.3(TAPT1):c.694A>C (p.Lys232Gln)

Gene: TAPT1 (transmembrane anterior posterior transformation 1; minus strand). Cytogenetic location: 4p15.32.
Variant type: single nucleotide variant.
Coding change: c.694A>C on transcript NM_153365.3 (MANE Select); coding-DNA position 694, A replaced by C.
Protein change: p.Lys232Gln; replaces lysine 232 with glutamine.
Molecular consequence: missense variant.
Genome position (GRCh38, 1-based): chr4:16,188,274, T>G on the plus strand (A>C on the coding strand, the complement: TAPT1 is on the minus strand). VCF-style: chr4-16188274-T-G. GRCh37 (hg19) VCF-style: chr4-16189897-T-G.
Other names: short protein forms K232Q.
Identifiers: ClinVar variation 1509408 (VCV001509408.8), dbSNP rs774712114, ClinGen allele CA2867474.
Genomic context (GRCh38, chr4:16,188,274, plus strand): 5'-GGATACAGACATAGAGAACAGCCATGAAAAAGTGAGGAATCACCCCAATGTGGGCTCTTT[T>G]TCTTTCTTTAGGCTCTGTTGCTGTCCAATAGAGAGCATCTAATATGTCTTGTCCAAAAGA-3'
Protein context (NP_699196.2, residues 222-242): YWTATEPKER[Lys232Gln]RAHIGVIPHF